The following is an entry in ClinVar:

NM_001365999.1(SZT2):c.7373C>G (p.Ser2458Cys)

Gene: SZT2 (SZT2 subunit of KICSTOR complex; plus strand). Cytogenetic location: 1p34.2.
Variant type: single nucleotide variant.
Coding change: c.7373C>G on transcript NM_001365999.1 (MANE Select); coding-DNA position 7373, C replaced by G.
Protein change: p.Ser2458Cys; replaces serine 2458 with cysteine.
Molecular consequence: missense variant.
Genome position (GRCh38, 1-based): chr1:43,441,242, C>G. VCF-style: chr1-43441242-C-G. GRCh37 (hg19) VCF-style: chr1-43906913-C-G.
Other names: c.7202C>G, p.Ser2401Cys (NM_015284.4); short protein forms S2401C, S2458C.
Identifiers: ClinVar variation 1044451 (VCV001044451.11), dbSNP rs371109647, ClinGen allele CA810216.

ClinVar aggregate classification (germline): Uncertain significance. Review status: criteria provided, multiple submitters, no conflicts (2 of 4 stars). 4 submissions from 4 submitters: Uncertain significance (4). Last evaluated 2024-10-23.

Conditions:
Inborn genetic diseases. Identifiers: MedGen C0950123, MeSH D030342.
Developmental and epileptic encephalopathy, 18 (DEE18). Also called: Early infantile epileptic encephalopathy 18. Identifiers: Orphanet 369894, MedGen C3809624, MONDO:0014201, OMIM 615476.

Allele frequency attached by ClinVar (database versions not stated): gnomAD exomes below 0.00001 and 0.00001; TOPMed below 0.00001; ExAC 0.00002.
gnomAD v4.1: 9 of 1,614,126 alleles (0.00056%); highest among the groups gnomAD compares: African/African-American, 0.008%; no homozygotes.

Submissions (4):

GeneDx
Classification: Uncertain significance. Last evaluated: 2024-10-23. Review status: criteria provided, single submitter. Criteria: GeneDx Variant Classification Process June 2021. Collection method: clinical testing. Allele origin: germline. Affected: yes.
Comment: Not observed at significant frequency in large population cohorts (gnomAD); In silico analysis indicates that this missense variant does not alter protein structure/function; Has not been previously published as pathogenic or benign to our knowledge

Labcorp Genetics (formerly Invitae), Labcorp
Classification: Uncertain significance. Last evaluated: 2023-12-11. Review status: criteria provided, single submitter. Criteria: Invitae Variant Classification Sherloc (09022015). Collection method: clinical testing. Allele origin: germline.
Comment: This sequence change replaces serine, which is neutral and polar, with cysteine, which is neutral and slightly polar, at codon 2401 of the SZT2 protein (p.Ser2401Cys). This variant is present in population databases (rs371109647, gnomAD 0.007%). This variant has not been reported in the literature in individuals affected with SZT2-related conditions. ClinVar contains an entry for this variant (Variation ID: 1044451). Advanced modeling of protein sequence and biophysical properties (such as structural, functional, and spatial information, amino acid conservation, physicochemical variation, residue mobility, and thermodynamic stability) performed at Invitae indicates that this missense variant is expected to disrupt SZT2 protein function with a positive predictive value of 80%. In summary, the available evidence is currently insufficient to determine the role of this variant in disease. Therefore, it has been classified as a Variant of Uncertain Significance.

Genome-Nilou Lab
Classification: Uncertain significance for Developmental and epileptic encephalopathy, 18. Last evaluated: 2023-04-11. Review status: criteria provided, single submitter. Criteria: ACMG Guidelines, 2015. Collection method: clinical testing. Allele origin: germline. Affected: no.

Ambry Genetics
Classification: Uncertain significance for Inborn genetic diseases. Last evaluated: 2017-12-15. Review status: criteria provided, single submitter. Criteria: Ambry Variant Classification Scheme 2023. Collection method: clinical testing. Allele origin: germline.
Comment: The p.S2401C variant (also known as c.7202C>G), located in coding exon 52 of the SZT2 gene, results from a C to G substitution at nucleotide position 7202. The serine at codon 2401 is replaced by cysteine, an amino acid with dissimilar properties. This amino acid position is highly conserved in available vertebrate species. In addition, the in silico prediction for this alteration is inconclusive. Since supporting evidence is limited at this time, the clinical significance of this alteration remains unclear.